The following is an entry in ClinVar:

NM_001378457.1(DMXL2):c.992A>G (p.His331Arg)

Gene: DMXL2 (Dmx like 2; minus strand). Cytogenetic location: 15q21.2.
Variant type: single nucleotide variant.
Coding change: c.992A>G on transcript NM_001378457.1 (MANE Select); coding-DNA position 992, A replaced by G.
Protein change: p.His331Arg; replaces histidine 331 with arginine.
Molecular consequence: missense variant. On other transcripts: non-coding transcript variant (2).
Genome position (GRCh38, 1-based): chr15:51,542,446, T>C on the plus strand (A>G on the coding strand, the complement: DMXL2 is on the minus strand). VCF-style: chr15-51542446-T-C. GRCh37 (hg19) VCF-style: chr15-51834643-T-C.
Other names: c.992A>G, p.His331Arg (NM_001174116.3, NM_001174117.3, NM_001378458.1 and 7 more transcripts); short protein forms H331R.
Identifiers: ClinVar variation 2985211 (VCV002985211.3), dbSNP rs776167727, ClinGen allele CA7562691.

ClinVar aggregate classification (germline): Uncertain significance (1 of 4 stars; one submission).

Allele frequency attached by ClinVar (database versions not stated): gnomAD 0.00001; ExAC 0.00002; gnomAD exomes 0.00001.
gnomAD v4.1: 20 of 1,613,720 alleles (0.0012%); highest among the groups gnomAD compares: South Asian, 0.018%; 1 homozygote.

Submission:

Labcorp Genetics (formerly Invitae), Labcorp
Classification: Uncertain significance. Last evaluated: 2025-10-07. Review status: criteria provided, single submitter. Criteria: Invitae Variant Classification Sherloc (09022015). Collection method: clinical testing. Allele origin: germline.
Comment: This sequence change replaces histidine, which is basic and polar, with arginine, which is basic and polar, at codon 331 of the DMXL2 protein (p.His331Arg). This variant is present in population databases (rs776167727, gnomAD 0.01%). This variant has not been reported in the literature in individuals affected with DMXL2-related conditions. ClinVar contains an entry for this variant (Variation ID: 2985211). An algorithm developed to predict the effect of missense changes on protein structure and function (PolyPhen-2) suggests that this variant is likely to be disruptive. In summary, the available evidence is currently insufficient to determine the role of this variant in disease. Therefore, it has been classified as a Variant of Uncertain Significance.